The following is an entry in ClinVar:

ClinVar aggregate classification (germline): Uncertain significance. Review status: criteria provided, multiple submitters, no conflicts (2 of 4 stars). 2 submissions from 2 submitters: Uncertain significance (2). Last evaluated 2023-03-31.

Allele frequency attached by ClinVar (database versions not stated): gnomAD 0.00001; gnomAD exomes 0.00001; TOPMed 0.00002; ExAC 0.00006.
gnomAD v4.1: 7 of 1,551,462 alleles (0.00045%); highest among the groups gnomAD compares: Admixed American, 0.0058%; no homozygotes.

Submissions (2):

Blueprint Genetics
Classification: Uncertain significance. Last evaluated: 2023-03-31. Review status: criteria provided, single submitter. Criteria: ACMG Guidelines, 2015. Collection method: clinical testing. Allele origin: germline.

Labcorp Genetics (formerly Invitae), Labcorp
Classification: Uncertain significance. Last evaluated: 2021-06-07. Review status: criteria provided, single submitter. Criteria: Invitae Variant Classification Sherloc (09022015). Collection method: clinical testing. Allele origin: germline.
Comment: This sequence change replaces proline with leucine at codon 35 of the TMEM132E protein (p.Pro35Leu). The proline residue is weakly conserved and there is a moderate physicochemical difference between proline and leucine. This variant is present in population databases (rs764581147, ExAC 0.07%). This variant has not been reported in the literature in individuals with TMEM132E-related conditions. Algorithms developed to predict the effect of missense changes on protein structure and function are either unavailable or do not agree on the potential impact of this missense change (SIFT: "Tolerated"; PolyPhen-2: "Not Available"; Align-GVGD: "Class C0"). In summary, the available evidence is currently insufficient to determine the role of this variant in disease. Therefore, it has been classified as a Variant of Uncertain Significance.

NM_001304438.2(TMEM132E):c.104C>T (p.Pro35Leu)

Gene: TMEM132E (transmembrane protein 132E; plus strand). Cytogenetic location: 17q12.
Variant type: single nucleotide variant.
Coding change: c.104C>T on transcript NM_001304438.2 (MANE Select); coding-DNA position 104, C replaced by T.
Protein change: p.Pro35Leu; replaces proline 35 with leucine.
Molecular consequence: missense variant.
Genome position (GRCh38, 1-based): chr17:34,626,163, C>T. VCF-style: chr17-34626163-C-T. GRCh37 (hg19) VCF-style: chr17-32953182-C-T.
Other names: short protein forms P35L.
Identifiers: ClinVar variation 1469714 (VCV001469714.9), dbSNP rs764581147, ClinGen allele CA8496372.